The following is an entry in ClinVar:

ClinVar aggregate classification (germline): Pathogenic/Likely pathogenic. Review status: criteria provided, multiple submitters, no conflicts (2 of 4 stars). 2 submissions from 2 submitters: Pathogenic (1); Likely pathogenic (1). Last evaluated 2024-11-21.

Conditions:
Walker-Warburg congenital muscular dystrophy. Also called: Muscular dystrophy-dystroglycanopathy, type A; Walker-Warburg syndrome. Identifiers: Orphanet 899, MedGen C0265221, MONDO:0000171.
Autosomal recessive limb-girdle muscular dystrophy type 2I. Also called: MUSCULAR DYSTROPHY-DYSTROGLYCANOPATHY (LIMB-GIRDLE), TYPE C, 5; MUSCULAR DYSTROPHY-DYSTROGLYCANOPATHY, LIMB-GIRDLE, FRKP-RELATED; MUSCULAR DYSTROPHY, LIMB-GIRDLE, TYPE 2I. Identifiers: Orphanet 34515, MedGen C1846672, MONDO:0011787, OMIM 607155.

Submissions (2):

Natera, Inc.
Classification: Likely pathogenic for Limb-girdle muscular dystrophy type 2I. Last evaluated: 2024-11-21. Review status: criteria provided, single submitter. Criteria: Natera Variant Classification Schema (03/2026). Collection method: clinical testing. Allele origin: germline.
Comment: The c.230_234del variant in FKRP is a frameshift variant predicted to shift the reading frame beginning at codon 77 and leads to a stop codon 53 codons downstream. This variant is expected to result in nonsense mediated decay, truncation, or a dysfunctional protein product. This variant is rare in the general population with a frequency below the threshold expected for the associated phenotype(s). Given the available evidence, this variant is classified as Likely Pathogenic.

Labcorp Genetics (formerly Invitae), Labcorp
Classification: Pathogenic for Walker-Warburg congenital muscular dystrophy. Last evaluated: 2022-05-10. Review status: criteria provided, single submitter. Criteria: Invitae Variant Classification Sherloc (09022015). Collection method: clinical testing. Allele origin: germline.
Comment: For these reasons, this variant has been classified as Pathogenic. This variant disrupts a region of the FKRP protein in which other variant(s) (p.Leu452Cysfs*38) have been determined to be pathogenic (Invitae). This suggests that this is a clinically significant region of the protein, and that variants that disrupt it are likely to be disease-causing. This variant has not been reported in the literature in individuals affected with FKRP-related conditions. This variant is not present in population databases (gnomAD no frequency). This sequence change creates a premature translational stop signal (p.Gln77Argfs*53) in the FKRP gene. While this is not anticipated to result in nonsense mediated decay, it is expected to disrupt the last 419 amino acid(s) of the FKRP protein.

NM_024301.5(FKRP):c.230_234del (p.Gln77fs)

Gene: FKRP (fukutin related protein; plus strand). Cytogenetic location: 19q13.32.
Variant type: Microsatellite.
Coding change: c.230_234del on transcript NM_024301.5 (MANE Select); coding-DNA positions 230 to 234, 5 bases deleted (AGCCC; older notation c.230_234delAGCCC).
Protein change: p.Gln77fs; shifts the reading frame from glutamine 77.
Molecular consequence: frameshift variant.
Genome position (GRCh38, 1-based): chr19:46,755,680-46,755,684, AGCCC deleted; deleting any 5 consecutive bases within chr19:46,755,672-46,755,684 gives the same sequence; the c. name uses the placement nearest the transcript's 3' end. VCF-style (leftmost placement, unchanged base first): chr19-46755671-ACCCAG-A. GRCh37 (hg19) VCF-style: chr19-47258928-ACCCAG-A.
Other names: c.230_234del, p.Gln77fs (NM_001039885.3); c.230_234del (NM_024301.4); short protein forms Q77fs.
Identifiers: ClinVar variation 1903512 (VCV001903512.6), dbSNP rs1555738204, ClinGen allele CA2339067146.